The following is an entry in ClinVar:

NM_001130823.3(DNMT1):c.3098G>A (p.Arg1033Gln)

Gene: DNMT1 (DNA methyltransferase 1; minus strand). Cytogenetic location: 19p13.2.
Variant type: single nucleotide variant.
Coding change: c.3098G>A on transcript NM_001130823.3 (MANE Select); coding-DNA position 3098, G replaced by A.
Protein change: p.Arg1033Gln; replaces arginine 1033 with glutamine.
Molecular consequence: missense variant.
Genome position (GRCh38, 1-based): chr19:10,143,784, C>T on the plus strand (G>A on the coding strand, the complement: DNMT1 is on the minus strand). VCF-style: chr19-10143784-C-T. GRCh37 (hg19) VCF-style: chr19-10254460-C-T.
Other names: c.3050G>A, p.Arg1017Gln (NM_001318730.2, NM_001379.4); c.2735G>A, p.Arg912Gln (NM_001318731.2); c.3098G>A (NM_001130823.2); short protein forms R1033Q, R912Q, R1017Q.
Identifiers: ClinVar variation 772485 (VCV000772485.12), dbSNP rs199827346, ClinGen allele CA9187866.

ClinVar aggregate classification (germline): Likely benign. Review status: criteria provided, multiple submitters, no conflicts (2 of 4 stars). 2 submissions from 2 submitters: Likely benign (2). Last evaluated 2025-11-17.

Conditions:
Hereditary sensory neuropathy-deafness-dementia syndrome. Also called: NEUROPATHY, HEREDITARY SENSORY, WITH HEARING LOSS AND DEMENTIA; Hereditary sensory neuropathy type IE; HSN IE; Hereditary Sensory and Autonomic Neuropathy Type 1E (HSAN1E). Identifiers: Orphanet 456318, MedGen C3279885, MONDO:0013584, OMIM 614116.
DNMT1-related disorder. Also called: DNMT1-related condition. Identifiers: MedGen CN381527.

Allele frequency attached by ClinVar (database versions not stated): gnomAD 0.00005; gnomAD exomes 0.00005 and 0.00016; TOPMed 0.00011; ExAC 0.00014; 1000 Genomes Project 30x 0.00016; 1000 Genomes Project 0.00020.
gnomAD v4.1: 81 of 1,614,106 alleles (0.005%); highest among the groups gnomAD compares: East Asian, 0.11%; no homozygotes.

Submissions (2):

PreventionGenetics, part of Exact Sciences
Classification: Likely benign for DNMT1-related condition. Last evaluated: 2025-11-17. Review status: criteria provided, single submitter. Criteria: ACMG Guidelines, 2015. Collection method: clinical testing. Allele origin: germline.
Comment: This variant is classified as likely benign based on ACMG/AMP sequence variant interpretation guidelines (Richards et al. 2015 PMID: 25741868, with internal and published modifications).

Labcorp Genetics (formerly Invitae), Labcorp
Classification: Likely benign for Hereditary sensory neuropathy-deafness-dementia syndrome. Last evaluated: 2025-08-05. Review status: criteria provided, single submitter. Criteria: Invitae Variant Classification Sherloc (09022015). Collection method: clinical testing. Allele origin: germline.